The following is an entry in ClinVar:

ClinVar aggregate classification (germline): Uncertain significance (1 of 4 stars; one submission).

Allele frequency attached by ClinVar (database versions not stated): gnomAD exomes 0.00001; gnomAD 0.00003; TOPMed 0.00003.
gnomAD v4.1: 15 of 1,563,914 alleles (0.00096%); highest among the groups gnomAD compares: African/African-American, 0.0068%; no homozygotes.

Submission:

Labcorp Genetics (formerly Invitae), Labcorp
Classification: Uncertain significance. Last evaluated: 2022-07-19. Review status: criteria provided, single submitter. Criteria: Invitae Variant Classification Sherloc (09022015). Collection method: clinical testing. Allele origin: germline.
Comment: This sequence change replaces arginine, which is basic and polar, with tryptophan, which is neutral and slightly polar, at codon 1751 of the TRIOBP protein (p.Arg1751Trp). The frequency data for this variant in the population databases is considered unreliable, as metrics indicate poor data quality at this position in the gnomAD database. This variant has not been reported in the literature in individuals affected with TRIOBP-related conditions. Algorithms developed to predict the effect of missense changes on protein structure and function are either unavailable or do not agree on the potential impact of this missense change (SIFT: "Deleterious"; PolyPhen-2: "Probably Damaging"; Align-GVGD: "Class C0"). In summary, the available evidence is currently insufficient to determine the role of this variant in disease. Therefore, it has been classified as a Variant of Uncertain Significance.

NM_001039141.3(TRIOBP):c.5251C>T (p.Arg1751Trp)

Gene: TRIOBP (TRIO and F-actin binding protein; plus strand). Cytogenetic location: 22q13.1.
Variant type: single nucleotide variant.
Coding change: c.5251C>T on transcript NM_001039141.3 (MANE Select); coding-DNA position 5251, C replaced by T.
Protein change: p.Arg1751Trp; replaces arginine 1751 with tryptophan.
Molecular consequence: missense variant.
Genome position (GRCh38, 1-based): chr22:37,740,961, C>T. VCF-style: chr22-37740961-C-T. GRCh37 (hg19) VCF-style: chr22-38136968-C-T.
Other names: short protein forms R1751W.
Identifiers: ClinVar variation 2168760 (VCV002168760.4), dbSNP rs1261711831, ClinGen allele CA411502626.